The following is an entry in ClinVar:

ClinVar aggregate classification (germline): Likely pathogenic (1 of 4 stars; one submission).

Conditions:
Osteogenesis imperfecta (OI). Identifiers: Orphanet 666, MedGen C0029434, MeSH D010013, MONDO:0019019.

Submission:

Women's Health and Genetics/Laboratory Corporation of America, LabCorp
Classification: Likely pathogenic for Osteogenesis imperfecta. Last evaluated: 2023-04-14. Review status: criteria provided, single submitter. Criteria: LabCorp Variant Classification Summary - May 2015. Collection method: clinical testing. Allele origin: germline.
Comment: Variant summary: The variant identified by MLPA or other technology involves the deletion of exons 2-5 in the SERPINF1 gene, where exon 2 contains the initiation codon. A presumed nomenclature of c.(-9+1_-8-1)_(643+1_644-1)del has been designated for the purposes of this classification. The variant was absent in 21694 control chromosomes (gnomAD, Structural Variants dataset). To our knowledge, no occurrence of c.(-9+1_-8-1)_(643+1_644-1)del in individuals affected with Osteogenesis Imperfecta and no experimental evidence demonstrating its impact on protein function have been reported. No clinical diagnostic laboratories have submitted clinical-significance assessments for this variant to ClinVar after 2014. Based on the evidence outlined above, the variant was classified as likely pathogenic.

NC_000017.10:g.(1665408_1670196)_(1675370_1678351)del

Gene: SERPINF1 (serpin family F member 1; plus strand). Cytogenetic location: 17p13.3.
Variant type: Deletion.
Identifiers: ClinVar variation 2503988 (VCV002503988.1).